The following is an entry in ClinVar:

ClinVar aggregate classification (germline): Uncertain significance (1 of 4 stars; one submission).

Submission:

Ambry Genetics
Classification: Uncertain significance. Last evaluated: 2024-03-16. Review status: criteria provided, single submitter. Criteria: Ambry Variant Classification Scheme 2023. Collection method: clinical testing. Allele origin: germline.
Comment: The p.H847Q variant (also known as c.2541C>G), located in coding exon 21 of the BUB1 gene, results from a C to G substitution at nucleotide position 2541. The histidine at codon 847 is replaced by glutamine, an amino acid with highly similar properties. This amino acid position is conserved. In addition, this alteration is predicted to be tolerated by in silico analysis. Based on the available evidence, the clinical significance of this alteration remains unclear.

NM_004336.5(BUB1):c.2541C>G (p.His847Gln)

Gene: BUB1 (BUB1 mitotic checkpoint serine/threonine kinase; minus strand). Cytogenetic location: 2q13.
Variant type: single nucleotide variant.
Coding change: c.2541C>G on transcript NM_004336.5 (MANE Select); coding-DNA position 2541, C replaced by G.
Protein change: p.His847Gln; replaces histidine 847 with glutamine.
Molecular consequence: missense variant.
Genome position (GRCh38, 1-based): chr2:110,641,726, G>C on the plus strand (C>G on the coding strand, the complement: BUB1 is on the minus strand). VCF-style: chr2-110641726-G-C. GRCh37 (hg19) VCF-style: chr2-111399303-G-C.
Other names: c.2481C>G, p.His827Gln (NM_001278616.2); c.2541C>G, p.His847Gln (NM_001278617.2); short protein forms H827Q, H847Q.
Identifiers: ClinVar variation 3262124 (VCV003262124.1).